The following is an entry in ClinVar:

ClinVar aggregate classification (germline): Uncertain significance (1 of 4 stars; one submission).

Conditions:
Dilated cardiomyopathy 1HH (CMD1HH). Identifiers: Orphanet 154, MedGen C3151293, MONDO:0013479, OMIM 613881.
Myofibrillar myopathy 6. Identifiers: Orphanet 199340, MedGen C2751831, MONDO:0013061, OMIM 612954.

Allele frequency attached by ClinVar (database versions not stated): TOPMed below 0.00001; gnomAD exomes 0.00001; ExAC 0.00002.
gnomAD v4.1: 2 of 1,614,216 alleles (0.00012%); highest among the groups gnomAD compares: Admixed American, 0.0033%; no homozygotes.

Submission:

Labcorp Genetics (formerly Invitae), Labcorp
Classification: Uncertain significance for Dilated cardiomyopathy 1HH; Myofibrillar myopathy 6. Last evaluated: 2026-01-27. Review status: criteria provided, single submitter. Criteria: Invitae Variant Classification Sherloc (09022015). Collection method: clinical testing. Allele origin: germline.
Comment: This sequence change replaces glutamine, which is neutral and polar, with histidine, which is basic and polar, at codon 116 of the BAG3 protein (p.Gln116His). This variant is present in population databases (rs761808716, gnomAD 0.006%). This variant has not been reported in the literature in individuals affected with BAG3-related conditions. ClinVar contains an entry for this variant (Variation ID: 970785). Invitae Evidence Modeling of protein sequence and biophysical properties (such as structural, functional, and spatial information, amino acid conservation, physicochemical variation, residue mobility, and thermodynamic stability) indicates that this missense variant is not expected to disrupt BAG3 protein function with a negative predictive value of 80%. In summary, the available evidence is currently insufficient to determine the role of this variant in disease. Therefore, it has been classified as a Variant of Uncertain Significance.

NM_004281.4(BAG3):c.348G>C (p.Gln116His)

Gene: BAG3 (BAG cochaperone 3; plus strand). Cytogenetic location: 10q26.11.
Variant type: single nucleotide variant.
Coding change: c.348G>C on transcript NM_004281.4 (MANE Select); coding-DNA position 348, G replaced by C.
Protein change: p.Gln116His; replaces glutamine 116 with histidine.
Molecular consequence: missense variant.
Genome position (GRCh38, 1-based): chr10:119,670,018, G>C. VCF-style: chr10-119670018-G-C. GRCh37 (hg19) VCF-style: chr10-121429530-G-C.
Other names: short protein forms Q116H.
Identifiers: ClinVar variation 970785 (VCV000970785.10), dbSNP rs761808716, ClinGen allele CA5716304.